The following is an entry in ClinVar:

NM_000136.3(FANCC):c.883dup (p.Asp295fs)

Genes: AOPEP (aminopeptidase O (putative); plus strand), FANCC (FA complementation group C; minus strand). Cytogenetic location: 9q22.32.
Variant type: Duplication.
Coding change: c.883dup on transcript NM_000136.3 (MANE Select); coding-DNA position 883, one base duplicated (G; older notation c.883dupG).
Protein change: p.Asp295fs; shifts the reading frame from aspartic acid 295.
Molecular consequence: frameshift variant.
Genome position (GRCh38, 1-based): chr9:95,126,542, C duplicated on the plus strand (G on the coding strand, the reverse complement: FANCC is on the minus strand). VCF-style (leftmost placement, unchanged base first): chr9-95126541-T-TC. GRCh37 (hg19) VCF-style: chr9-97888823-T-TC.
Other names: c.883dup, p.Asp295fs (NM_001243743.2, NM_001243744.2); short protein forms D295fs.
Identifiers: ClinVar variation 939538 (VCV000939538.9), dbSNP rs1826007748, ClinGen allele CA1139661060.
Genomic context (GRCh38, chr9:95,126,541, plus strand): 5'-TGGAACCTTTTTTACATCAATTACTAGAAGAAACAGTGTAACGTTTACCTGAACATCTCA[T>TC]CAACAACCCGGAATATGGCAGGGTGGCAGGCTGCTTGAGGCTGTAAAAGGAGAAGACCAT-3'

ClinVar aggregate classification (germline): Pathogenic/Likely pathogenic. Review status: criteria provided, multiple submitters, no conflicts (2 of 4 stars). 3 submissions from 3 submitters: Pathogenic (1); Likely pathogenic (2). Last evaluated 2024-03-06.

Conditions:
Fanconi anemia complementation group C (FANCC). Also called: FANCONI PANCYTOPENIA, TYPE 3; FACC; Fanconi anemia, group C; FANCC-Related Fanconi Anemia. Identifiers: Orphanet 84, MedGen C3468041, MONDO:0009213, OMIM 227645.
Fanconi anemia (FA). Also called: Fanconi's anemia. Identifiers: Orphanet 84, MedGen C0015625, MeSH D005199, MONDO:0019391.

Submissions (3):

Fulgent Genetics
Classification: Likely pathogenic for Fanconi anemia complementation group C. Last evaluated: 2024-03-06. Review status: criteria provided, single submitter. Criteria: ACMG Guidelines, 2015. Collection method: clinical testing. Allele origin: germline.

Baylor Genetics
Classification: Likely pathogenic for Fanconi anemia complementation group C. Last evaluated: 2023-09-19. Review status: criteria provided, single submitter. Criteria: ACMG Guidelines, 2015. Collection method: clinical testing. Allele origin: unknown.

Labcorp Genetics (formerly Invitae), Labcorp
Classification: Pathogenic for Fanconi anemia. Last evaluated: 2023-01-19. Review status: criteria provided, single submitter. Criteria: Invitae Variant Classification Sherloc (09022015). Collection method: clinical testing. Allele origin: germline.
Comment: For these reasons, this variant has been classified as Pathogenic. ClinVar contains an entry for this variant (Variation ID: 939538). This variant has not been reported in the literature in individuals affected with FANCC-related conditions. This variant is not present in population databases (gnomAD no frequency). This sequence change creates a premature translational stop signal (p.Asp295Glyfs*2) in the FANCC gene. It is expected to result in an absent or disrupted protein product. Loss-of-function variants in FANCC are known to be pathogenic (PMID: 17924555).

Literature cited by the submitters: PubMed 17924555 (cited by Labcorp Genetics (formerly Invitae), Labcorp).